The following is an entry in ClinVar:

ClinVar aggregate classification (germline): Uncertain significance (1 of 4 stars; one submission).

Conditions:
Charcot-Marie-Tooth disease type 4. Also called: Charcot-Marie-Tooth, Type 4; Charcot-Marie-Tooth disease, type IV. Identifiers: Orphanet 64749, MedGen C4082197, MONDO:0018995.

Allele frequency attached by ClinVar (database versions not stated): TOPMed below 0.00001; ExAC 0.00002; gnomAD exomes 0.00002 and 0.00003.
gnomAD v4.1: 42 of 1,609,232 alleles (0.0026%); highest among the groups gnomAD compares: Non-Finnish European, 0.0034%; no homozygotes.

Submission:

Labcorp Genetics (formerly Invitae), Labcorp
Classification: Uncertain significance for Charcot-Marie-Tooth disease type 4. Last evaluated: 2023-06-30. Review status: criteria provided, single submitter. Criteria: Invitae Variant Classification Sherloc (09022015). Collection method: clinical testing. Allele origin: germline.
Comment: This sequence change replaces leucine, which is neutral and non-polar, with phenylalanine, which is neutral and non-polar, at codon 636 of the PRX protein (p.Leu636Phe). This variant is present in population databases (rs756785716, gnomAD 0.004%). This variant has not been reported in the literature in individuals affected with PRX-related conditions. ClinVar contains an entry for this variant (Variation ID: 566282). An algorithm developed to predict the effect of missense changes on protein structure and function (PolyPhen-2) suggests that this variant is likely to be disruptive. In summary, the available evidence is currently insufficient to determine the role of this variant in disease. Therefore, it has been classified as a Variant of Uncertain Significance.

NM_181882.3(PRX):c.1906C>T (p.Leu636Phe)

Gene: PRX (periaxin; minus strand). Cytogenetic location: 19q13.2.
Variant type: single nucleotide variant.
Coding change: c.1906C>T on transcript NM_181882.3 (MANE Select); coding-DNA position 1906, C replaced by T.
Protein change: p.Leu636Phe; replaces leucine 636 with phenylalanine.
Molecular consequence: missense variant. On other transcripts: 3 prime UTR variant (1).
Genome position (GRCh38, 1-based): chr19:40,396,446, G>A on the plus strand (C>T on the coding strand, the complement: PRX is on the minus strand). VCF-style: chr19-40396446-G-A. GRCh37 (hg19) VCF-style: chr19-40902353-G-A.
Other names: c.*2111C>T (NM_020956.2); short protein forms L636F.
Identifiers: ClinVar variation 566282 (VCV000566282.8), dbSNP rs756785716, ClinGen allele CA9444176.